The following is an entry in ClinVar:

NM_001005373.4(LRSAM1):c.158A>G (p.Lys53Arg)

Gene: LRSAM1 (leucine rich repeat and sterile alpha motif containing 1; plus strand). Cytogenetic location: 9q33.3.
Variant type: single nucleotide variant.
Coding change: c.158A>G on transcript NM_001005373.4 (MANE Select); coding-DNA position 158, A replaced by G.
Protein change: p.Lys53Arg; replaces lysine 53 with arginine.
Molecular consequence: missense variant. On other transcripts: 5 prime UTR variant (1), non-coding transcript variant (2).
Genome position (GRCh38, 1-based): chr9:127,455,604, A>G. VCF-style: chr9-127455604-A-G. GRCh37 (hg19) VCF-style: chr9-130217883-A-G.
Other names: c.158A>G, p.Lys53Arg (NM_001005374.4, NM_001190723.3, NM_001384142.1 and 2 more transcripts); c.-627A>G (NM_001384144.1); short protein forms K53R.
Identifiers: ClinVar variation 1418946 (VCV001418946.8), dbSNP rs754095363, ClinGen allele CA5246409.

ClinVar aggregate classification (germline): Uncertain significance (1 of 4 stars; one submission).

Conditions:
Charcot-Marie-Tooth disease axonal type 2P. Also called: CHARCOT-MARIE-TOOTH DISEASE, AXONAL, TYPE 2G; CMT 2G; Charcot-Marie-Tooth Neuropathy Type 2G; CHARCOT-MARIE-TOOTH NEUROPATHY, TYPE 2P. Identifiers: Orphanet 300319, Orphanet 99941, MedGen C3280797, MONDO:0013753, OMIM 614436.

Allele frequency attached by ClinVar (database versions not stated): gnomAD exomes below 0.00001; ExAC 0.00001.
gnomAD v4.1: 2 of 1,614,218 alleles (0.00012%); highest among the groups gnomAD compares: East Asian, 0.0022%; no homozygotes.

Submission:

Labcorp Genetics (formerly Invitae), Labcorp
Classification: Uncertain significance for Charcot-Marie-Tooth disease axonal type 2P. Last evaluated: 2021-07-16. Review status: criteria provided, single submitter. Criteria: Invitae Variant Classification Sherloc (09022015). Collection method: clinical testing. Allele origin: germline.
Comment: This variant is present in population databases (rs754095363, ExAC 0.01%). This sequence change replaces lysine with arginine at codon 53 of the LRSAM1 protein (p.Lys53Arg). The lysine residue is highly conserved and there is a small physicochemical difference between lysine and arginine. This variant has not been reported in the literature in individuals affected with LRSAM1-related conditions. Algorithms developed to predict the effect of missense changes on protein structure and function output the following: SIFT: "Tolerated"; PolyPhen-2: "Benign"; Align-GVGD: "Class C0". The arginine amino acid residue is found in multiple mammalian species, which suggests that this missense change does not adversely affect protein function. Algorithms developed to predict the effect of sequence changes on RNA splicing suggest that this variant may create or strengthen a splice site. In summary, the available evidence is currently insufficient to determine the role of this variant in disease. Therefore, it has been classified as a Variant of Uncertain Significance.